The following is an entry in ClinVar:

NM_177400.3(NKX6-2):c.734A>G (p.Asn245Ser)

Gene: NKX6-2 (NK6 homeobox 2; minus strand). Cytogenetic location: 10q26.3.
Variant type: single nucleotide variant.
Coding change: c.734A>G on transcript NM_177400.3 (MANE Select); coding-DNA position 734, A replaced by G.
Protein change: p.Asn245Ser; replaces asparagine 245 with serine.
Molecular consequence: missense variant.
Genome position (GRCh38, 1-based): chr10:132,785,016, T>C on the plus strand (A>G on the coding strand, the complement: NKX6-2 is on the minus strand). VCF-style: chr10-132785016-T-C. GRCh37 (hg19) VCF-style: chr10-134598520-T-C.
Other names: c.734A>G (NM_177400.2); short protein forms N245S.
Identifiers: ClinVar variation 1479709 (VCV001479709.7), dbSNP rs375835728, ClinGen allele CA5755997.

ClinVar aggregate classification (germline): Uncertain significance. Review status: criteria provided, multiple submitters, no conflicts (2 of 4 stars). 2 submissions from 2 submitters: Uncertain significance (2). Last evaluated 2025-12-10.

Conditions:
Inborn genetic diseases. Identifiers: MedGen C0950123, MeSH D030342.

Allele frequency attached by ClinVar (database versions not stated): gnomAD 0.00001; gnomAD exomes 0.00001; ExAC 0.00002; ESP Exome Variant Server 0.00008.
gnomAD v4.1: 5 of 1,611,038 alleles (0.00031%); highest among the groups gnomAD compares: Non-Finnish European, 0.00042%; no homozygotes.

Submissions (2):

Ambry Genetics
Classification: Uncertain significance for Inborn genetic diseases. Last evaluated: 2025-12-10. Review status: criteria provided, single submitter. Criteria: Ambry Variant Classification Scheme 2023. Collection method: clinical testing. Allele origin: germline.

Labcorp Genetics (formerly Invitae), Labcorp
Classification: Uncertain significance. Last evaluated: 2022-06-03. Review status: criteria provided, single submitter. Criteria: Invitae Variant Classification Sherloc (09022015). Collection method: clinical testing. Allele origin: germline.
Comment: This variant has not been reported in the literature in individuals affected with NKX6-2-related conditions. ClinVar contains an entry for this variant (Variation ID: 1479709). Algorithms developed to predict the effect of missense changes on protein structure and function are either unavailable or do not agree on the potential impact of this missense change (SIFT: "Deleterious"; PolyPhen-2: "Benign"; Align-GVGD: "Class C0"). Algorithms developed to predict the effect of sequence changes on RNA splicing suggest that this variant may create or strengthen a splice site. In summary, the available evidence is currently insufficient to determine the role of this variant in disease. Therefore, it has been classified as a Variant of Uncertain Significance. This variant is present in population databases (rs375835728, gnomAD 0.002%). This sequence change replaces asparagine, which is neutral and polar, with serine, which is neutral and polar, at codon 245 of the NKX6-2 protein (p.Asn245Ser).